The following is an entry in ClinVar:

NM_000271.5(NPC1):c.497C>T (p.Pro166Leu)

Gene: NPC1 (NPC intracellular cholesterol transporter 1; minus strand). Cytogenetic location: 18q11.2.
Variant type: single nucleotide variant.
Coding change: c.497C>T on transcript NM_000271.5 (MANE Select); coding-DNA position 497, C replaced by T.
Protein change: p.Pro166Leu; replaces proline 166 with leucine.
Molecular consequence: missense variant.
Genome position (GRCh38, 1-based): chr18:23,561,494, G>A on the plus strand (C>T on the coding strand, the complement: NPC1 is on the minus strand). VCF-style: chr18-23561494-G-A. GRCh37 (hg19) VCF-style: chr18-21141458-G-A.
Other names: short protein forms P166L.
Identifiers: ClinVar variation 4710451 (VCV004710451.1).

ClinVar aggregate classification (germline): Likely pathogenic (1 of 4 stars; one submission).

Conditions:
Niemann-Pick disease, type C1. Also called: NEUROVISCERAL STORAGE DISEASE WITH VERTICAL SUPRANUCLEAR OPHTHALMOPLEGIA; NIEMANN-PICK DISEASE WITH CHOLESTEROL ESTERIFICATION BLOCK; NIEMANN-PICK DISEASE WITHOUT SPHINGOMYELINASE DEFICIENCY; NIEMANN-PICK DISEASE, CHRONIC NEURONOPATHIC FORM; NIEMANN-PICK DISEASE, VARIANT TYPE C1. Identifiers: Orphanet 646, MedGen C3179455, MONDO:0009757, OMIM 257220.

Submission:

Labcorp Genetics (formerly Invitae), Labcorp
Classification: Likely pathogenic for Niemann-Pick disease, type C1. Last evaluated: 2025-05-04. Review status: criteria provided, single submitter. Criteria: Invitae Variant Classification Sherloc (09022015). Collection method: clinical testing. Allele origin: germline.
Comment: This sequence change replaces proline, which is neutral and non-polar, with leucine, which is neutral and non-polar, at codon 166 of the NPC1 protein (p.Pro166Leu). This variant is not present in population databases (gnomAD no frequency). This missense change has been observed in individual(s) with Niemann-Pick disease type C (PMID: 16126423). Invitae Evidence Modeling of protein sequence and biophysical properties (such as structural, functional, and spatial information, amino acid conservation, physicochemical variation, residue mobility, and thermodynamic stability) indicates that this missense variant is expected to disrupt NPC1 protein function with a positive predictive value of 95%. In summary, the currently available evidence indicates that the variant is pathogenic, but additional data are needed to prove that conclusively. Therefore, this variant has been classified as Likely Pathogenic.

Literature cited by the submitters: PubMed 16126423.